The following is an entry in ClinVar:

ClinVar aggregate classification (germline): Uncertain significance. Review status: criteria provided, multiple submitters, no conflicts (2 of 4 stars). 3 submissions from 3 submitters: Uncertain significance (3). Last evaluated 2025-09-20.

Conditions:
STAT3-related disorder. Also called: STAT3-related condition.
Hyper-IgE recurrent infection syndrome 1, autosomal dominant. Also called: Job's Syndrome; Hyper-IgE recurrent infection syndrome 1; HYPER-IgE SYNDROME 1, AUTOSOMAL DOMINANT, WITH RECURRENT INFECTIONS; JOB SYNDROME; STAT3 Hyper IgE Syndrome. Identifiers: Orphanet 2314, MedGen C2936739, MONDO:0007818, OMIM 147060.
STAT3 gain of function. Identifiers: MedGen C4288261.
STAT3-related early-onset multisystem autoimmune disease. Also called: Autoimmune disease, multisystem, infantile-onset, 1. Identifiers: Orphanet 438159, MedGen C4014795, MONDO:0014414, OMIM 615952.

Submissions (3):

PreventionGenetics, part of Exact Sciences
Classification: Uncertain significance for STAT3-related condition. Last evaluated: 2025-09-20. Review status: criteria provided, single submitter. Criteria: ACMG Guidelines, 2015. Collection method: clinical testing. Allele origin: germline.
Comment: The STAT3 c.1842C>G variant is predicted to result in the amino acid substitution p.Ser614Arg. To our knowledge, this variant has not been reported in the literature or in a large population database (gnomAD), indicating this variant is rare. This variant is classified as uncertain in ClinVar (Variation ID: 2954328). At this time, the clinical significance of this variant is uncertain due to the absence of conclusive functional and genetic evidence.

Fulgent Genetics
Classification: Uncertain significance for Hyper-IgE recurrent infection syndrome 1, autosomal dominant; STAT3-related early-onset multisystem autoimmune disease. Last evaluated: 2024-03-05. Review status: criteria provided, single submitter. Criteria: ACMG Guidelines, 2015. Collection method: clinical testing. Allele origin: germline.

Labcorp Genetics (formerly Invitae), Labcorp
Classification: Uncertain significance for STAT3 gain of function; Hyper-IgE recurrent infection syndrome 1, autosomal dominant. Last evaluated: 2023-12-01. Review status: criteria provided, single submitter. Criteria: Invitae Variant Classification Sherloc (09022015). Collection method: clinical testing. Allele origin: germline.
Comment: This sequence change replaces serine, which is neutral and polar, with arginine, which is basic and polar, at codon 614 of the STAT3 protein (p.Ser614Arg). This variant is not present in population databases (gnomAD no frequency). This variant has not been reported in the literature in individuals affected with STAT3-related conditions. Advanced modeling of protein sequence and biophysical properties (such as structural, functional, and spatial information, amino acid conservation, physicochemical variation, residue mobility, and thermodynamic stability) performed at Invitae indicates that this missense variant is not expected to disrupt STAT3 protein function with a negative predictive value of 80%. In summary, the available evidence is currently insufficient to determine the role of this variant in disease. Therefore, it has been classified as a Variant of Uncertain Significance.

NM_139276.3(STAT3):c.1842C>G (p.Ser614Arg)

Gene: STAT3 (signal transducer and activator of transcription 3; minus strand). Cytogenetic location: 17q21.2.
Variant type: single nucleotide variant.
Coding change: c.1842C>G on transcript NM_139276.3 (MANE Select); coding-DNA position 1842, C replaced by G.
Protein change: p.Ser614Arg; replaces serine 614 with arginine.
Molecular consequence: missense variant.
Genome position (GRCh38, 1-based): chr17:42,323,050, G>C on the plus strand (C>G on the coding strand, the complement: STAT3 is on the minus strand). VCF-style: chr17-42323050-G-C. GRCh37 (hg19) VCF-style: chr17-40475068-G-C.
Other names: c.1842C>G, p.Ser614Arg (NM_001369512.1, NM_001369513.1, NM_001369514.1 and 9 more transcripts); c.1758C>G, p.Ser586Arg (NM_001384984.1); c.1764C>G, p.Ser588Arg (NM_001384985.1); c.1857C>G, p.Ser619Arg (NM_001384986.1, NM_001384990.1); c.1821C>G, p.Ser607Arg (NM_001384987.1); c.1746C>G, p.Ser582Arg (NM_001384989.1); c.1815C>G, p.Ser605Arg (NM_001384991.1); c.1782C>G, p.Ser594Arg (NM_001384992.1); short protein forms S586R, S605R, S614R, S619R, S582R, S588R, S594R, S607R.
Identifiers: ClinVar variation 2954328 (VCV002954328.5), dbSNP rs1209963571, ClinGen allele CA399582864.